The following is an entry in ClinVar:

NM_001326342.2(CELF2):c.401A>G (p.Asn134Ser)

Gene: CELF2 (CUGBP Elav-like family member 2; plus strand). Cytogenetic location: 10p14.
Variant type: single nucleotide variant.
Coding change: c.401A>G on transcript NM_001326342.2 (MANE Select); coding-DNA position 401, A replaced by G.
Protein change: p.Asn134Ser; replaces asparagine 134 with serine.
Molecular consequence: missense variant. On other transcripts: 5 prime UTR variant (2).
Genome position (GRCh38, 1-based): chr10:11,249,199, A>G. VCF-style: chr10-11249199-A-G. GRCh37 (hg19) VCF-style: chr10-11291162-A-G.
Other names: c.308A>G, p.Asn103Ser (NM_001025076.2, NM_001083591.1, NM_001326317.2 and 15 more transcripts); c.380A>G, p.Asn127Ser (NM_001025077.3, NM_001326331.2, NM_001326332.2 and 4 more transcripts); c.473A>G, p.Asn158Ser (NM_001326325.2); c.416A>G, p.Asn139Ser (NM_001326326.2, NM_001326327.2); c.-225A>G (NM_001326333.2, NM_001326346.2); c.47A>G, p.Asn16Ser (NM_001326338.2, NM_001326339.2); c.401A>G, p.Asn134Ser (NM_001326340.2, NM_001326341.2, NM_001326343.2 and 4 more transcripts); c.332A>G, p.Asn111Ser (NM_001326347.1); short protein forms N103S, N111S, N127S, N134S, N139S, N158S, N16S.
Identifiers: ClinVar variation 4882527 (VCV004882527.2).

ClinVar aggregate classification (germline): Uncertain significance (1 of 4 stars; one submission).

gnomAD v4.1: 1 of 1,611,772 alleles (0.000062%); highest among the groups gnomAD compares: Non-Finnish European, 0.000085%; no homozygotes.

Submission:

Dasa
Classification: Uncertain significance. Last evaluated: 2025-04-30. Review status: criteria provided, single submitter. Criteria: DASA Assertion Criteria. Collection method: clinical testing. Allele origin: germline.
Comment: NM_001326342.2(CELF2):c.401A>G (p.Asn134Ser) is a missense variant that results in the substitution of asparagine with serine. This variant is rare in population databases. The currently available literature and clinical evidence are not sufficient to establish a definitive association between this variant and the reported condition. Therefore, this variant is classified as a variant of uncertain significance.